The following is an entry in ClinVar:

NM_004380.3(CREBBP):c.5597G>A (p.Arg1866His)

Gene: CREBBP (CREB binding lysine acetyltransferase; minus strand). Cytogenetic location: 16p13.3.
Variant type: single nucleotide variant.
Coding change: c.5597G>A on transcript NM_004380.3 (MANE Select); coding-DNA position 5597, G replaced by A.
Protein change: p.Arg1866His; replaces arginine 1866 with histidine.
Molecular consequence: missense variant.
Genome position (GRCh38, 1-based): chr16:3,729,450, C>T on the plus strand (G>A on the coding strand, the complement: CREBBP is on the minus strand). VCF-style: chr16-3729450-C-T. GRCh37 (hg19) VCF-style: chr16-3779451-C-T.
Other names: c.5597G>A (NM_004380.2); c.5483G>A, p.Arg1828His (NM_001079846.1); short protein forms R1866H, R1828H.
Identifiers: ClinVar variation 285083 (VCV000285083.7), dbSNP rs886043017, ClinGen allele CA10604995.
Genomic context (GRCh38, chr16:3,729,450, plus strand): 5'-GTAGGAGAAGGCAGACTCTGCTGAGGCACGTTGCGGGTGTTCATGGTGGCCATCCGCCGG[C>T]GCATGAGCTGGGCCTGCTGCAGGCGGTGCTGGATCTGCTGCTGGCGGAGCTTGTGTTTGA-3'
Protein context (NP_004371.2, residues 1856-1876): QHRLQQAQLM[Arg1866His]RRMATMNTRN

ClinVar aggregate classification (germline): Uncertain significance. Review status: criteria provided, multiple submitters, no conflicts (2 of 4 stars). 2 submissions from 2 submitters: Uncertain significance (2). Last evaluated 2025-10-01.

Allele frequency attached by ClinVar (database versions not stated): gnomAD exomes below 0.00001.
gnomAD v4.1: 2 of 1,614,008 alleles (0.00012%); highest among the groups gnomAD compares: Non-Finnish European, 0.00017%; no homozygotes.

Submissions (2):

GeneDx
Classification: Uncertain significance. Last evaluated: 2025-10-01. Review status: criteria provided, single submitter. Criteria: GeneDx Variant Classification Process June 2021. Collection method: clinical testing. Allele origin: germline.
Comment: Not observed at significant frequency in large population cohorts (gnomAD); In silico analysis supports that this missense variant has a deleterious effect on protein structure/function; Has not been previously published as pathogenic or benign to our knowledge; This variant is associated with the following publications: (PMID: 27311832)

Eurofins Ntd Llc (ga)
Classification: Uncertain significance. Last evaluated: 2015-12-08. Review status: criteria provided, single submitter. Criteria: EGL Classification Definitions 2015. Collection method: clinical testing. Allele origin: germline. Observed: 1 variant allele, 1 heterozygote.